The following is an entry in ClinVar:

NM_001257291.2(SLC9A7):c.1998C>T (p.Tyr666=)

Gene: SLC9A7 (solute carrier family 9 member A7; minus strand). Cytogenetic location: Xp11.3.
Variant type: single nucleotide variant.
Coding change: c.1998C>T on transcript NM_001257291.2 (MANE Select); coding-DNA position 1998, C replaced by T.
Protein change: p.Tyr666=; no amino-acid change (tyrosine 666 retained).
Molecular consequence: synonymous variant.
Genome position (GRCh38, 1-based): chrX:46,607,135, G>A on the plus strand (C>T on the coding strand, the complement: SLC9A7 is on the minus strand). VCF-style: chrX-46607135-G-A. GRCh37 (hg19) VCF-style: chrX-46466570-G-A.
Other names: c.1995C>T, p.Tyr665= (NM_032591.3).
Identifiers: ClinVar variation 1703143 (VCV001703143.3), dbSNP rs1444255492, ClinGen allele CA516370364.
Genomic context (GRCh38, chrX:46,607,135, plus strand): 5'-CAGACTCGTGGAGGCGGTGTGCGAACTTGAGGAGCCATTTGCAGTCACTGTGCTGTCCCC[G>A]TAGGTCAATGTCAGGTCGCCTTCGGTCAGGATGAAATCAGAGTCTTCCTCTCTCAGTGGC-3'
Protein context (NP_001244220.1, residues 656-676): ILTEGDLTLT[Tyr666=]GDSTVTANGS

ClinVar aggregate classification (germline): Uncertain significance (1 of 4 stars; one submission).

Allele frequency attached by ClinVar (database versions not stated): gnomAD exomes below 0.00001; TOPMed below 0.00001; gnomAD 0.00001.
gnomAD v4.1: 4 of 1,209,013 alleles (0.00033%); highest among the groups gnomAD compares: African/African-American, 0.0018%; no homozygotes.

Submission:

Greenwood Genetic Center Diagnostic Laboratories, Greenwood Genetic Center
Classification: Uncertain significance. Last evaluated: 2022-04-14. Review status: criteria provided, single submitter. Criteria: ACMG Guidelines, 2015. Collection method: clinical testing. Allele origin: germline. Affected: yes.
Comment: PM2, BP4